The following is an entry in ClinVar:

NM_001102564.3(IFT43):c.20T>C (p.Leu7Ser)

Gene: IFT43 (intraflagellar transport 43; plus strand). Cytogenetic location: 14q24.3.
Variant type: single nucleotide variant.
Coding change: c.20T>C on transcript NM_001102564.3 (MANE Select); coding-DNA position 20, T replaced by C.
Protein change: p.Leu7Ser; replaces leucine 7 with serine.
Molecular consequence: missense variant. On other transcripts: non-coding transcript variant (2).
Genome position (GRCh38, 1-based): chr14:75,985,806, T>C. VCF-style: chr14-75985806-T-C. GRCh37 (hg19) VCF-style: chr14-76452149-T-C.
Other names: c.20T>C, p.Leu7Ser (NM_001255995.3, NM_052873.3); c.20T>C (NM_052873.2); short protein forms L7S.
Identifiers: ClinVar variation 1477997 (VCV001477997.7), dbSNP rs761189937, ClinGen allele CA7280573.

ClinVar aggregate classification (germline): Uncertain significance. Review status: criteria provided, multiple submitters, no conflicts (2 of 4 stars). 2 submissions from 2 submitters: Uncertain significance (2). Last evaluated 2025-02-11.

Allele frequency attached by ClinVar (database versions not stated): ExAC 0.00001.
gnomAD v4.1: 4 of 1,614,122 alleles (0.00025%); highest among the groups gnomAD compares: Non-Finnish European, 0.00034%; no homozygotes.

Submissions (2):

Ambry Genetics
Classification: Uncertain significance. Last evaluated: 2025-02-11. Review status: criteria provided, single submitter. Criteria: Ambry Variant Classification Scheme 2023. Collection method: clinical testing. Allele origin: germline.

Labcorp Genetics (formerly Invitae), Labcorp
Classification: Uncertain significance. Last evaluated: 2024-02-24. Review status: criteria provided, single submitter. Criteria: Invitae Variant Classification Sherloc (09022015). Collection method: clinical testing. Allele origin: germline.
Comment: This sequence change replaces leucine, which is neutral and non-polar, with serine, which is neutral and polar, at codon 7 of the IFT43 protein (p.Leu7Ser). This variant is not present in population databases (gnomAD no frequency). This variant has not been reported in the literature in individuals affected with IFT43-related conditions. ClinVar contains an entry for this variant (Variation ID: 1477997). Experimental studies and prediction algorithms are not available or were not evaluated, and the functional significance of this variant is currently unknown. In summary, the available evidence is currently insufficient to determine the role of this variant in disease. Therefore, it has been classified as a Variant of Uncertain Significance.